The following is an entry in ClinVar:

ClinVar aggregate classification (germline): Uncertain significance (1 of 4 stars; one submission).

Conditions:
Hajdu-Cheney syndrome (HJCYS). Also called: ACROOSTEOLYSIS WITH OSTEOPOROSIS AND CHANGES IN SKULL AND MANDIBLE; SERPENTINE FIBULA-POLYCYSTIC KIDNEY SYNDROME; Acroosteolysis dominant type. Identifiers: Orphanet 955, MedGen C0917715, MONDO:0007057, OMIM 102500.

Submission:

Labcorp Genetics (formerly Invitae), Labcorp
Classification: Uncertain significance for Hajdu-Cheney syndrome. Last evaluated: 2025-02-27. Review status: criteria provided, single submitter. Criteria: Invitae Variant Classification Sherloc (09022015). Collection method: clinical testing. Allele origin: germline.
Comment: This sequence change replaces proline, which is neutral and non-polar, with serine, which is neutral and polar, at codon 2443 of the NOTCH2 protein (p.Pro2443Ser). This variant is not present in population databases (gnomAD no frequency). This variant has not been reported in the literature in individuals affected with NOTCH2-related conditions. Invitae Evidence Modeling of protein sequence and biophysical properties (such as structural, functional, and spatial information, amino acid conservation, physicochemical variation, residue mobility, and thermodynamic stability) has been performed for this missense variant. However, the output from this modeling did not meet the statistical confidence thresholds required to predict the impact of this variant on NOTCH2 protein function. In summary, the available evidence is currently insufficient to determine the role of this variant in disease. Therefore, it has been classified as a Variant of Uncertain Significance.

NM_024408.4(NOTCH2):c.7327C>T (p.Pro2443Ser)

Gene: NOTCH2 (notch receptor 2; minus strand). Cytogenetic location: 1p12.
Variant type: single nucleotide variant.
Coding change: c.7327C>T on transcript NM_024408.4 (MANE Select); coding-DNA position 7327, C replaced by T.
Protein change: p.Pro2443Ser; replaces proline 2443 with serine.
Molecular consequence: missense variant.
Genome position (GRCh38, 1-based): chr1:119,915,395, G>A on the plus strand (C>T on the coding strand, the complement: NOTCH2 is on the minus strand). VCF-style: chr1-119915395-G-A. GRCh37 (hg19) VCF-style: chr1-120458018-G-A.
Other names: short protein forms P2443S.
Identifiers: ClinVar variation 4754980 (VCV004754980.1).
Genomic context (GRCh38, chr1:119,915,395, plus strand): 5'-GTGGCTCAGACATGTGTGTCCCAGGTCCCCGCTGACCTCCTCCAGCACCCCCAGGGGTAG[G>A]GCTGGTGGTCACATCTGACCAGTCAGAAGCAGAGTGGGGTGATGAACTTGACCACTGGTC-3'
Protein context (NP_077719.2, residues 2433-2453): ASDWSDVTTS[Pro2443Ser]TPGGAGGGQR